The following is an entry in ClinVar:

ClinVar aggregate classification (germline): Uncertain significance (1 of 4 stars; one submission).

Conditions:
Neurodegeneration with brain iron accumulation 5 (NBIA5). Also called: STATIC ENCEPHALOPATHY OF CHILDHOOD WITH NEURODEGENERATION IN ADULTHOOD; Beta-propeller protein-associated neurodegeneration. Identifiers: Orphanet 329284, MedGen C3550973, MONDO:0010476, OMIM 300894.

Submission:

Labcorp Genetics (formerly Invitae), Labcorp
Classification: Uncertain significance for Neurodegeneration with brain iron accumulation 5. Last evaluated: 2024-02-02. Review status: criteria provided, single submitter. Criteria: Invitae Variant Classification Sherloc (09022015). Collection method: clinical testing. Allele origin: germline.
Comment: This sequence change replaces valine, which is neutral and non-polar, with leucine, which is neutral and non-polar, at codon 126 of the WDR45 protein (p.Val126Leu). This variant is not present in population databases (gnomAD no frequency). This variant has not been reported in the literature in individuals affected with WDR45-related conditions. Advanced modeling of protein sequence and biophysical properties (such as structural, functional, and spatial information, amino acid conservation, physicochemical variation, residue mobility, and thermodynamic stability) performed at Invitae indicates that this missense variant is not expected to disrupt WDR45 protein function with a negative predictive value of 80%. In summary, the available evidence is currently insufficient to determine the role of this variant in disease. Therefore, it has been classified as a Variant of Uncertain Significance.

NM_001029896.2(WDR45):c.373G>T (p.Val125Leu)

Gene: WDR45 (WD repeat domain 45; minus strand). Cytogenetic location: Xp11.23.
Variant type: single nucleotide variant.
Coding change: c.373G>T on transcript NM_001029896.2 (MANE Select); coding-DNA position 373, G replaced by T.
Protein change: p.Val125Leu; replaces valine 125 with leucine.
Molecular consequence: missense variant.
Genome position (GRCh38, 1-based): chrX:49,076,493, C>A on the plus strand (G>T on the coding strand, the complement: WDR45 is on the minus strand). VCF-style: chrX-49076493-C-A. GRCh37 (hg19) VCF-style: chrX-48934152-C-A.
Other names: c.376G>T, p.Val126Leu (NM_007075.4); short protein forms V126L, V125L.
Identifiers: ClinVar variation 3638328 (VCV003638328.2).